The following is an entry in ClinVar:

ClinVar aggregate classification (germline): Uncertain significance. Review status: criteria provided, multiple submitters, no conflicts (2 of 4 stars). 2 submissions from 2 submitters: Uncertain significance (2). Last evaluated 2025-11-04.

Conditions:
Primary ciliary dyskinesia 23 (CILD23). Also called: CILIARY DYSKINESIA, PRIMARY, 23, WITH OR WITHOUT SITUS INVERSUS. Identifiers: Orphanet 244, MedGen C3809548, MONDO:0014193, OMIM 615451.
Primary ciliary dyskinesia. Also called: Ciliary dyskinesia. Identifiers: Orphanet 244, MedGen C0008780, MONDO:0016575, HP:0012265.

gnomAD v4.1: 22 of 1,604,954 alleles (0.0014%); highest among the groups gnomAD compares: Non-Finnish European, 0.0018%; no homozygotes.

Submissions (2):

Labcorp Genetics (formerly Invitae), Labcorp
Classification: Uncertain significance for Primary ciliary dyskinesia 23. Last evaluated: 2025-11-04. Review status: criteria provided, single submitter. Criteria: Invitae Variant Classification Sherloc (09022015). Collection method: clinical testing. Allele origin: germline.
Comment: This sequence change replaces alanine, which is neutral and non-polar, with proline, which is neutral and non-polar, at codon 694 of the ARMC4 protein (p.Ala694Pro). This variant is present in population databases (rs556371991, gnomAD 0.002%). This variant has not been reported in the literature in individuals affected with ARMC4-related conditions. ClinVar contains an entry for this variant (Variation ID: 1681361). An algorithm developed to predict the effect of missense changes on protein structure and function (PolyPhen-2) suggests that this variant is likely to be disruptive. In summary, the available evidence is currently insufficient to determine the role of this variant in disease. Therefore, it has been classified as a Variant of Uncertain Significance.

Ambry Genetics
Classification: Uncertain significance for Primary ciliary dyskinesia. Last evaluated: 2024-08-11. Review status: criteria provided, single submitter. Criteria: Ambry Variant Classification Scheme 2023. Collection method: clinical testing. Allele origin: germline.
Comment: The p.A694P variant (also known as c.2080G>C), located in coding exon 13 of the ARMC4 gene, results from a G to C substitution at nucleotide position 2080. The alanine at codon 694 is replaced by proline, an amino acid with highly similar properties. This amino acid position is conserved. In addition, this alteration is predicted to be deleterious by in silico analysis. Based on the available evidence, the clinical significance of this variant remains unclear.

NM_018076.5(ODAD2):c.2080G>C (p.Ala694Pro)

Gene: ODAD2 (outer dynein arm docking complex subunit 2; minus strand). Cytogenetic location: 10p12.1.
Variant type: single nucleotide variant.
Coding change: c.2080G>C on transcript NM_018076.5 (MANE Select); coding-DNA position 2080, G replaced by C.
Protein change: p.Ala694Pro; replaces alanine 694 with proline.
Molecular consequence: missense variant.
Genome position (GRCh38, 1-based): chr10:27,939,914, C>G on the plus strand (G>C on the coding strand, the complement: ODAD2 is on the minus strand). VCF-style: chr10-27939914-C-G. GRCh37 (hg19) VCF-style: chr10-28228843-C-G.
Other names: c.2080G>C (NM_018076.2); c.2080G>C, p.Ala694Pro (NM_001290020.2); c.655G>C, p.Ala219Pro (NM_001290021.2); c.1156G>C, p.Ala386Pro (NM_001312689.2); short protein forms A219P, A386P, A694P.
Identifiers: ClinVar variation 1681361 (VCV001681361.5), dbSNP rs556371991, ClinGen allele CA5453318.